The following is an entry in ClinVar:

NM_001352514.2(HLCS):c.2301C>G (p.Tyr767Ter)

Gene: HLCS (holocarboxylase synthetase; minus strand). Cytogenetic location: 21q22.13.
Variant type: single nucleotide variant.
Coding change: c.2301C>G on transcript NM_001352514.2 (MANE Select); coding-DNA position 2301, C replaced by G.
Protein change: p.Tyr767Ter; replaces tyrosine 767 with a stop codon.
Molecular consequence: nonsense. On other transcripts: non-coding transcript variant (2).
Genome position (GRCh38, 1-based): chr21:36,756,691, G>C on the plus strand (C>G on the coding strand, the complement: HLCS is on the minus strand). VCF-style: chr21-36756691-G-C. GRCh37 (hg19) VCF-style: chr21-38128992-G-C.
Other names: c.1860C>G, p.Tyr620Ter (NM_000411.8, NM_001242784.3, NM_001242785.2 and 4 more transcripts); short protein forms Y620*, Y767*.
Identifiers: ClinVar variation 1998913 (VCV001998913.4), dbSNP rs2516841458, ClinGen allele CA409919303.
Genomic context (GRCh38, chr21:36,756,691, plus strand): 5'-GACTCTGGCGATGAGATAATCGGCTCTTAAGGGCTTCAGTTCTGCCTTGTGTTGTTTATT[G>C]TATTCTGTGATGAGGTCGTTGATGCAGATGGTAGGGTTACTGTTAGTCACATTAAATCCA-3'

ClinVar aggregate classification (germline): Pathogenic (1 of 4 stars; one submission).

Conditions:
Holocarboxylase synthetase deficiency. Also called: MULTIPLE CARBOXYLASE DEFICIENCY, EARLY ONSET. Identifiers: Orphanet 79242, MedGen C0268581, MONDO:0009666, OMIM 253270.

Submission:

Labcorp Genetics (formerly Invitae), Labcorp
Classification: Pathogenic for Holocarboxylase synthetase deficiency. Last evaluated: 2024-07-01. Review status: criteria provided, single submitter. Criteria: Invitae Variant Classification Sherloc (09022015). Collection method: clinical testing. Allele origin: germline.
Comment: This sequence change creates a premature translational stop signal (p.Tyr620*) in the HLCS gene. It is expected to result in an absent or disrupted protein product. Loss-of-function variants in HLCS are known to be pathogenic (PMID: 16134170). This variant is not present in population databases (gnomAD no frequency). This variant has not been reported in the literature in individuals affected with HLCS-related conditions. ClinVar contains an entry for this variant (Variation ID: 1998913). For these reasons, this variant has been classified as Pathogenic.

Literature cited by the submitters: PubMed 16134170.